The following is an entry in ClinVar:

ClinVar aggregate classification (germline): Uncertain significance. Review status: criteria provided, multiple submitters, no conflicts (2 of 4 stars). 2 submissions from 2 submitters: Uncertain significance (2). Last evaluated 2025-08-27.

Conditions:
Familial adenomatous polyposis 2. Also called: COLORECTAL ADENOMATOUS POLYPOSIS, AUTOSOMAL RECESSIVE; ADENOMAS, MULTIPLE COLORECTAL, AUTOSOMAL RECESSIVE; MYH-associated polyposis; MUTYH-associated polyposis; MUTYH-related attenuated familial adenomatous polyposis; MUTYH Polyposis. Identifiers: Orphanet 220460, Orphanet 247798, MedGen C3272841, MONDO:0012041, OMIM 608456.
Hereditary cancer-predisposing syndrome. Also called: Tumor predisposition; Hereditary Cancer Syndrome; Hereditary neoplastic syndrome; Neoplastic Syndromes, Hereditary. Identifiers: Orphanet 140162, MedGen C0027672, MeSH D009386, MONDO:0015356.

Submissions (2):

Ambry Genetics
Classification: Uncertain significance for Hereditary cancer-predisposing syndrome. Last evaluated: 2025-08-27. Review status: criteria provided, single submitter. Criteria: Ambry Variant Classification Scheme 2023. Collection method: clinical testing. Allele origin: germline.
Comment: The p.S44T variant (also known as c.131G>C), located in coding exon 2 of the MUTYH gene, results from a G to C substitution at nucleotide position 131. The serine at codon 44 is replaced by threonine, an amino acid with similar properties. This amino acid position is conserved. In addition, this alteration is predicted to be tolerated by in silico analysis. Based on the available evidence, the clinical significance of this variant remains unclear.

All of Us Research Program, National Institutes of Health
Classification: Uncertain significance for Familial adenomatous polyposis 2. Last evaluated: 2023-10-06. Review status: criteria provided, single submitter. Criteria: ACMG Guidelines, 2015. Collection method: clinical testing. Allele origin: germline. Inheritance: Autosomal recessive inheritance. Observed: 1 variant allele, 1 heterozygote.
Comment: This missense variant replaces serine with threonine at codon 44 of the MUTYH protein. Computational prediction suggests that this variant may not impact protein structure and function (internally defined REVEL score threshold <= 0.5, PMID: 27666373). To our knowledge, functional studies have not been reported for this variant. This variant has not been reported in individuals affected with MUTYH-related disorders in the literature. This variant has not been identified in the general population by the Genome Aggregation Database (gnomAD). The available evidence is insufficient to determine the role of this variant in disease conclusively. Therefore, this variant is classified as a Variant of Uncertain Significance.

This study involves interpretation of variants in research participants for the purpose of population health screening. Participant phenotype was not available at the time of variant classification. Additional details can be found in publication PMID: 35346344, PMCID: PMC8962531

NM_001048174.2(MUTYH):c.89G>C (p.Ser30Thr)

Gene: MUTYH (mutY DNA glycosylase; minus strand). Cytogenetic location: 1p34.1.
Variant type: single nucleotide variant.
Coding change: c.89G>C on transcript NM_001048174.2 (MANE Select); coding-DNA position 89, G replaced by C.
Protein change: p.Ser30Thr; replaces serine 30 with threonine.
Molecular consequence: missense variant. On other transcripts: 5 prime UTR variant (7), non-coding transcript variant (7).
Genome position (GRCh38, 1-based): chr1:45,334,417, C>G on the plus strand (G>C on the coding strand, the complement: MUTYH is on the minus strand). VCF-style: chr1-45334417-C-G. GRCh37 (hg19) VCF-style: chr1-45800089-C-G.
Other names: c.89G>C, p.Ser30Thr (NM_001048171.2, NM_001048172.2, NM_001048173.2 and 15 more transcripts); c.131G>C, p.Ser44Thr (NM_001128425.2, NM_001293190.2, NM_001407069.1 and 2 more transcripts); c.-124G>C (NM_001293192.2, NM_001293196.2, NM_001407091.1); c.-183G>C (NM_001350650.2); c.-119G>C (NM_001350651.2, NM_001407082.1); c.-68G>C (NM_001407075.1); c.107G>C, p.Ser36Thr (NM_001407087.1); short protein forms S30T, S36T, S44T.
Identifiers: ClinVar variation 3073739 (VCV003073739.2), dbSNP rs876659408, ClinGen allele CA340137018.